The following is an entry in ClinVar:

ClinVar aggregate classification (germline): Conflicting classifications of pathogenicity. Review status: criteria provided, conflicting classifications (1 of 4 stars). 3 submissions from 3 submitters: Uncertain significance (2); Likely benign (1). Last evaluated 2025-01-23.

Conditions:
Hereditary breast ovarian cancer syndrome. Also called: Hereditary breast and ovarian cancer syndrome; Hereditary breast and ovarian cancer syndrome (HBOC); Hereditary breast and/or ovarian cancer syndrome; Hereditary breast and ovarian cancer; BRCA1- and BRCA2-Associated Hereditary Breast and Ovarian Cancer; Breast and ovarian cancer. Identifiers: Orphanet 145, MedGen C0677776, MeSH D061325, MONDO:0003582. Disease mechanism: loss of function.
Fanconi anemia complementation group D1. Also called: BRCA2-Related Fanconi Anemia. Identifiers: Orphanet 319462, MedGen C1838457, MONDO:0011584, OMIM 605724.
Medulloblastoma (MDB). Also called: Medulloblastoma, somatic; MEDULLOBLASTOMA PREDISPOSITION SYNDROME. Identifiers: Orphanet 616, MedGen C0025149, MeSH D008527, MONDO:0007959, OMIM 155255, HP:0002885.
Familial cancer of breast. Also called: BREAST CANCER, FAMILIAL; Hereditary breast cancer; hereditary breast carcinoma. Identifiers: Orphanet 227535, MedGen C0346153, MONDO:0016419, OMIM 114480. Disease mechanism: loss of function.
Breast-ovarian cancer, familial, susceptibility to, 2 (BROVCA2). Also called: BRCA2 Hereditary Breast and Ovarian Cancer. Identifiers: Orphanet 145, MedGen C2675520, MONDO:0012933, OMIM 612555. Disease mechanism: loss of function.
Pancreatic cancer, susceptibility to, 2. Identifiers: Orphanet 1333, MedGen C3150546, MONDO:0013235, OMIM 613347.
Glioma susceptibility 3 (GLM3). Also called: Glioblastoma 3. Identifiers: Orphanet 182067, Orphanet 360, MedGen C2751641, MONDO:0013093, OMIM 613029.
Familial prostate cancer. Also called: Hereditary Prostate Cancer. Identifiers: MedGen C2931456, MONDO:0700275, OMIM 176807.
Wilms tumor 1 (WT1). Also called: Wilms tumor, somatic. Identifiers: Orphanet 654, MedGen CN033288, MONDO:0008679, OMIM 194070.
Hereditary cancer-predisposing syndrome. Also called: Neoplastic Syndromes, Hereditary; Hereditary neoplastic syndrome; Tumor predisposition; Hereditary Cancer Syndrome. Identifiers: Orphanet 140162, MedGen C0027672, MeSH D009386, MONDO:0015356.

Submissions (3):

Labcorp Genetics (formerly Invitae), Labcorp
Classification: Uncertain significance for Hereditary breast ovarian cancer syndrome. Last evaluated: 2025-01-23. Review status: criteria provided, single submitter. Criteria: Invitae Variant Classification Sherloc (09022015). Collection method: clinical testing. Allele origin: germline.
Comment: This sequence change replaces methionine, which is neutral and non-polar, with threonine, which is neutral and polar, at codon 1475 of the BRCA2 protein (p.Met1475Thr). This variant is not present in population databases (gnomAD no frequency). This variant has not been reported in the literature in individuals affected with BRCA2-related conditions. ClinVar contains an entry for this variant (Variation ID: 952364). Invitae Evidence Modeling of protein sequence and biophysical properties (such as structural, functional, and spatial information, amino acid conservation, physicochemical variation, residue mobility, and thermodynamic stability) indicates that this missense variant is not expected to disrupt BRCA2 protein function with a negative predictive value of 95%. In summary, the available evidence is currently insufficient to determine the role of this variant in disease. Therefore, it has been classified as a Variant of Uncertain Significance.

Fulgent Genetics
Classification: Uncertain significance for Familial cancer of breast; Medulloblastoma; Familial prostate cancer; Wilms tumor 1; Fanconi anemia complementation group D1; Breast-ovarian cancer, familial, susceptibility to, 2; Glioma susceptibility 3; Pancreatic cancer, susceptibility to, 2. Last evaluated: 2024-06-19. Review status: criteria provided, single submitter. Criteria: ACMG Guidelines, 2015. Collection method: clinical testing. Allele origin: germline.

University of Washington Department of Laboratory Medicine, University of Washington
Classification: Likely benign for Hereditary cancer-predisposing syndrome. Last evaluated: 2023-03-23. Review status: criteria provided, single submitter. Criteria: Dines et al. (Genet Med. 2020). Collection method: curation. Allele origin: germline.
Comment: Missense variant in a coldspot region where missense variants are very unlikely to be pathogenic (PMID:31911673).

BRCA2 exon 11 coldspot. Reclassification based on statistical prior probability.

NM_000059.4(BRCA2):c.4424T>C (p.Met1475Thr)

Gene: BRCA2 (BRCA2 DNA repair associated; plus strand). Cytogenetic location: 13q13.1.
Variant type: single nucleotide variant.
Coding change: c.4424T>C on transcript NM_000059.4 (MANE Select); coding-DNA position 4424, T replaced by C.
Protein change: p.Met1475Thr; replaces methionine 1475 with threonine.
Molecular consequence: missense variant.
Genome position (GRCh38, 1-based): chr13:32,338,779, T>C. VCF-style: chr13-32338779-T-C. GRCh37 (hg19) VCF-style: chr13-32912916-T-C.
Other names: short protein forms M1475T.
Identifiers: ClinVar variation 952364 (VCV000952364.12), dbSNP rs2072503948, ClinGen allele CA387781259.